The following is an entry in ClinVar:

NM_006031.6(PCNT):c.3165+1G>A

Gene: PCNT (pericentrin; plus strand). Cytogenetic location: 21q22.3.
Variant type: single nucleotide variant.
Coding change: c.3165+1G>A on transcript NM_006031.6 (MANE Select); the canonical splice donor site of the intron after coding-DNA position 3165, G replaced by A.
Molecular consequence: splice donor variant.
Genome position (GRCh38, 1-based): chr21:46,367,140, G>A. VCF-style: chr21-46367140-G-A. GRCh37 (hg19) VCF-style: chr21-47787055-G-A.
Other names: c.2811+1G>A (NM_001315529.2).
Identifiers: ClinVar variation 2825857 (VCV002825857.3), dbSNP rs1299341772, ClinGen allele CA410570701.
Genomic context (GRCh38, chr21:46,367,140, plus strand): 5'-ACCGAAGTGAGCACAGAGCTCGCCGGAACCGTGGCTCACGAGCTGCAGGGAGTGCACCAG[G>A]TAAGGCGCCAGGGCCCTGCCCCAGCCCAGGGCAGGCCTCTCCTCGCTGCCTGTGTGTTTC-3'

ClinVar aggregate classification (germline): Likely pathogenic (1 of 4 stars; one submission).

Allele frequency attached by ClinVar (database versions not stated): gnomAD exomes below 0.00001; gnomAD 0.00001; TOPMed 0.00001.
gnomAD v4.1: 4 of 1,611,372 alleles (0.00025%); highest among the groups gnomAD compares: Admixed American, 0.0067%; no homozygotes.

Submission:

Labcorp Genetics (formerly Invitae), Labcorp
Classification: Likely pathogenic. Last evaluated: 2023-09-03. Review status: criteria provided, single submitter. Criteria: Invitae Variant Classification Sherloc (09022015). Collection method: clinical testing. Allele origin: germline.
Comment: This variant is present in population databases (no rsID available, gnomAD 0.003%). This sequence change affects a donor splice site in intron 15 of the PCNT gene. It is expected to disrupt RNA splicing. Variants that disrupt the donor or acceptor splice site typically lead to a loss of protein function (PMID: 16199547), and loss-of-function variants in PCNT are known to be pathogenic (PMID: 18174396, 22821869). This variant has not been reported in the literature in individuals affected with PCNT-related conditions. In summary, the currently available evidence indicates that the variant is pathogenic, but additional data are needed to prove that conclusively. Therefore, this variant has been classified as Likely Pathogenic. Algorithms developed to predict the effect of sequence changes on RNA splicing suggest that this variant may disrupt the consensus splice site.

Literature cited by the submitters: PubMed 16199547; PubMed 18174396; PubMed 22821869.